The following is an entry in ClinVar:

ClinVar aggregate classification (germline): Likely benign (1 of 4 stars; one submission).

Allele frequency attached by ClinVar (database versions not stated): TOPMed below 0.00001; ExAC 0.00001; gnomAD exomes below 0.00001; ESP Exome Variant Server 0.00008.
gnomAD v4.1: 2 of 1,609,342 alleles (0.00012%); highest among the groups gnomAD compares: South Asian, 0.0011%; no homozygotes.

Submission:

GeneDx
Classification: Likely benign. Last evaluated: 2018-03-26. Review status: criteria provided, single submitter. Criteria: GeneDx Variant Classification (06012015). Collection method: clinical testing. Allele origin: germline. Affected: yes.
Comment: This variant is considered likely benign or benign based on one or more of the following criteria: it is a conservative change, it occurs at a poorly conserved position in the protein, it is predicted to be benign by multiple in silico algorithms, and/or has population frequency not consistent with disease.

NM_013352.4(DSE):c.417-15T>G

Gene: DSE (dermatan sulfate epimerase; plus strand). Cytogenetic location: 6q22.1.
Variant type: single nucleotide variant.
Coding change: c.417-15T>G on transcript NM_013352.4 (MANE Select); 15 bases into the intron before coding-DNA position 417, T replaced by G.
Molecular consequence: intron variant.
Genome position (GRCh38, 1-based): chr6:116,426,559, T>G. VCF-style: chr6-116426559-T-G. GRCh37 (hg19) VCF-style: chr6-116747722-T-G.
Other names: c.417-15T>G (NM_001322937.2, NM_001322938.2, NM_001080976.3 and 2 more transcripts); c.-145-15T>G (NM_001322940.2, NM_001322941.2); c.474-15T>G (NM_001322939.2).
Identifiers: ClinVar variation 681441 (VCV000681441.1), dbSNP rs377249948, ClinGen allele CA3969522.
Genomic context (GRCh38, chr6:116,426,559, plus strand): 5'-AAATAGACACTTTAGAAGTGTGGTGAAAGCTGTGAGTCTGATGAACTCATTTCCATGATT[T>G]ATTTTCCTTTACAGGTTGGTGAAAGATGCTCCTTGGGATGAGGTCCCGCTTGCTCACTCC-3'